The following is an entry in ClinVar:

NM_000069.3(CACNA1S):c.1903A>G (p.Met635Val)

Gene: CACNA1S (calcium voltage-gated channel subunit alpha1 S; minus strand). Cytogenetic location: 1q32.1.
Variant type: single nucleotide variant.
Coding change: c.1903A>G on transcript NM_000069.3 (MANE Select); coding-DNA position 1903, A replaced by G.
Protein change: p.Met635Val; replaces methionine 635 with valine.
Molecular consequence: missense variant.
Genome position (GRCh38, 1-based): chr1:201,075,540, T>C on the plus strand (A>G on the coding strand, the complement: CACNA1S is on the minus strand). VCF-style: chr1-201075540-T-C. GRCh37 (hg19) VCF-style: chr1-201044668-T-C.
Other names: short protein forms M635V.
Identifiers: ClinVar variation 294753 (VCV000294753.25), dbSNP rs201784750, ClinGen allele CA078658.

ClinVar aggregate classification (germline): Conflicting classifications of pathogenicity. Review status: criteria provided, conflicting classifications (1 of 4 stars). 7 submissions from 7 submitters: Uncertain significance (2); Benign (1); Likely benign (4). Last evaluated 2026-07-01.

Conditions:
Malignant hyperthermia, susceptibility to, 5 (MHS5). Also called: CACNA1S-Related Malignant Hyperthermia Susceptibility. Identifiers: Orphanet 423, MedGen C1866077, MONDO:0011163, OMIM 601887.
Hypokalemic periodic paralysis, type 1. Also called: HypoPP; Hypokalemic Periodic Paralysis Type 1 (AD). Identifiers: Orphanet 681, MedGen C3714580, MONDO:0042979, OMIM 170400.

Allele frequency attached by ClinVar (database versions not stated): gnomAD 0.00015 and 0.00018; TOPMed 0.00016; gnomAD exomes 0.00024 and 0.00052; 1000 Genomes Project 30x 0.00031; ESP Exome Variant Server 0.00031; 1000 Genomes Project 0.00040; ExAC 0.00042.
gnomAD v4.1: 383 of 1,601,642 alleles (0.024%); highest among the groups gnomAD compares: South Asian, 0.12%; 3 homozygotes.

Submissions (7):

CeGaT Center for Human Genetics Tuebingen
Classification: Likely benign. Last evaluated: 2026-07-01. Review status: criteria provided, single submitter. Criteria: CeGaT Center For Human Genetics Tuebingen Variant Classification Criteria Version 2. Collection method: clinical testing. Allele origin: germline. Affected: yes. Observed: 2 variant alleles.
Comment: CACNA1S: BS2

Women's Health and Genetics/Laboratory Corporation of America, LabCorp
Classification: Likely benign. Last evaluated: 2026-04-13. Review status: criteria provided, single submitter. Criteria: LabCorp Variant Classification Summary - May 2015. Collection method: clinical testing. Allele origin: germline.
Comment: Variant summary: CACNA1S c.1903A>G (p.Met635Val) results in a conservative amino acid change in the encoded protein sequence. Algorithms developed to predict the effect of missense changes on protein structure and function are either unavailable or do not agree on the potential impact of this missense change. The variant allele was found at a frequency of 0.00052 in 251490 control chromosomes, predominantly at a frequency of 0.0012 within the South Asian subpopulation in the gnomAD database. The observed variant frequency within South Asian control individuals in the gnomAD database exceeds the estimated maximal expected allele frequency for disease-causing variants in CACNA1S. c.1903A>G has been observed in volunteers from an unselected population in a malignant hyperthermia susceptibility study (Gonsalves_2013). This report does not provide unequivocal conclusions about association of the variant with CACNA1S-related conditions. To our knowledge, no experimental evidence demonstrating an impact on protein function has been reported. The following publication has been ascertained in the context of this evaluation (PMID: 24195946). ClinVar contains an entry for this variant (Variation ID: 294753). Based on the evidence outlined above, the variant was classified as likely benign.

Labcorp Genetics (formerly Invitae), Labcorp
Classification: Likely benign for Hypokalemic periodic paralysis, type 1; Malignant hyperthermia, susceptibility to, 5. Last evaluated: 2026-01-26. Review status: criteria provided, single submitter. Criteria: Invitae Variant Classification Sherloc (09022015). Collection method: clinical testing. Allele origin: germline.

Revvity Omics, Revvity
Classification: Uncertain significance. Last evaluated: 2025-04-24. Review status: criteria provided, single submitter. Criteria: ACMG Guidelines, 2015. Collection method: clinical testing. Allele origin: germline.

GeneDx
Classification: Uncertain significance. Last evaluated: 2025-03-05. Review status: criteria provided, single submitter. Criteria: GeneDx Variant Classification Process June 2021. Collection method: clinical testing. Allele origin: germline. Affected: yes.
Comment: In silico analysis indicates that this missense variant does not alter protein structure/function; Has not been previously published as pathogenic or benign to our knowledge

Color Diagnostics, LLC DBA Color Health
Classification: Likely benign for Malignant hyperthermia, susceptibility to, 5. Last evaluated: 2022-09-16. Review status: criteria provided, single submitter. Criteria: ACMG Guidelines, 2015. Collection method: clinical testing. Allele origin: germline.

Illumina Laboratory Services, Illumina
Classification: Benign for Hypokalemic periodic paralysis, type 1. Last evaluated: 2018-01-12. Review status: criteria provided, single submitter. Criteria: ICSL Variant Classification Criteria 13 December 2019. Collection method: clinical testing. Allele origin: germline.
Comment: This variant was observed in the ICSL laboratory as part of a predisposition screen in an ostensibly healthy population. It had not been previously curated by ICSL or reported in the Human Gene Mutation Database (HGMD: prior to June 1st, 2018), and was therefore a candidate for classification through an automated scoring system. Utilizing variant allele frequency, disease prevalence and penetrance estimates, and inheritance mode, an automated score was calculated to assess if this variant is too frequent to cause the disease. Based on the score and internal cut-off values, a variant classified as benign is not then subjected to further curation. The score for this variant resulted in a classification of benign for this disease.

Literature cited by the submitters: PubMed 24195946 (cited by Women's Health and Genetics/Laboratory Corporation of America, LabCorp).